The following is an entry in ClinVar:

GRCh38/hg38 22q11.21(chr22:18339130-21101267)x3

Genes: AIFM3 (AIF family member 3; plus strand), ARVCF (ARVCF delta catenin family member; minus strand), C22orf39 (chromosome 22 open reading frame 39; minus strand), CCDC188 (coiled-coil domain containing 188; minus strand), CDC45 (cell division cycle 45; plus strand) and 185 more. Cytogenetic location: 22q11.21.
Variant type: copy number gain.
Change: copy number 3 (three copies instead of two) of chr22:18,339,130-21,101,267 (2.76 Mb, GRCh38 coordinates, 1-based), cytogenetic band 22q11.21.
Identifiers: ClinVar variation 59206 (VCV000059206.2).

ClinVar aggregate classification (germline): Pathogenic (1 of 4 stars; one submission).

Submission:

ISCA Site 6
Classification: Pathogenic. Last evaluated: 2011-08-12. Review status: criteria provided, single submitter. Criteria: Kaminsky et al. (Genet Med. 2011). Collection method: clinical testing. Allele origin: unknown. Affected: yes. Observed: 3 variant alleles. Clinical features observed: Macrocephaly (HP:0000256), Global developmental delay (HP:0001263), Webbed neck (HP:0000465), Short stature (HP:0004322), Microcephaly (HP:0000252), Attention deficit hyperactivity disorder (HP:0007018), Abnormal facial shape (HP:0001999).
Comment: Copy number variation identified through the course of routine clinical cytogenomic testing in postnatal populations. Clinical assertions have been curated as described in Kaminsky et al. 2011.